The following is an entry in ClinVar:

ClinVar aggregate classification (germline): Likely benign (0 of 4 stars; one submission).

Conditions:
SPOUT1-related disorder. Also called: SPOUT1-related condition.

Submission:

PreventionGenetics, part of Exact Sciences
Classification: Likely benign for SPOUT1-related condition. Last evaluated: 2019-05-24. Review status: no assertion criteria provided. Collection method: clinical testing. Allele origin: germline.
Comment: This variant is classified as likely benign based on ACMG/AMP sequence variant interpretation guidelines (Richards et al. 2015 PMID: 25741868, with internal and published modifications).

NM_016390.4(SPOUT1):c.369-15TC[5]

Genes: KYAT1-SPOUT1 (KYAT1-SPOUT1 readthrough; minus strand), SPOUT1 (SPOUT domain containing methyltransferase 1; minus strand). Cytogenetic location: 9q34.11.
Variant type: Microsatellite.
Coding change: c.369-15TC[5] on transcript NM_016390.4 (MANE Select); five copies in a row of the 2-base unit TC starting at c.369-15; the reference has six copies in a row; one copy, 2 bases deleted.
Molecular consequence: intron variant.
Genome position (GRCh38, 1-based): chr9:128,826,633-128,826,634, GA deleted on the plus strand (TC on the coding strand, the reverse complement: SPOUT1 is on the minus strand); deleting any 2 consecutive bases within chr9:128,826,633-128,826,644 gives the same sequence; the position shown is the placement nearest the transcript's 3' end. VCF-style (leftmost placement, unchanged base first): chr9-128826632-GGA-G. GRCh37 (hg19) VCF-style: chr9-131588911-GGA-G.
Other names: c.1716-15TC[5] (NM_001414398.1).
Identifiers: ClinVar variation 3038672 (VCV003038672.2), dbSNP rs753453349, ClinGen allele CA5269915.